The following is an entry in ClinVar:

NM_001077350.3(NPRL3):c.119G>C (p.Ser40Thr)

Genes: HBA-LCR (alpha-globin locus control region; plus strand), NPRL3 (NPR3 like, GATOR1 complex subunit; minus strand). Cytogenetic location: 16p13.3.
Variant type: single nucleotide variant.
Coding change: c.119G>C on transcript NM_001077350.3 (MANE Select); coding-DNA position 119, G replaced by C.
Protein change: p.Ser40Thr; replaces serine 40 with threonine.
Molecular consequence: missense variant. On other transcripts: 5 prime UTR variant (2).
Genome position (GRCh38, 1-based): chr16:130,591, C>G on the plus strand (G>C on the coding strand, the complement: NPRL3 is on the minus strand). VCF-style: chr16-130591-C-G. GRCh37 (hg19) VCF-style: chr16-180590-C-G.
Other names: c.-214G>C (NM_001039476.3); c.-253G>C (NM_001243247.2); c.119G>C, p.Ser40Thr (NM_001243248.2, NM_001243249.2); short protein forms S40T.
Identifiers: ClinVar variation 645977 (VCV000645977.8), dbSNP rs1277893899, ClinGen allele CA393997958.
Genomic context (GRCh38, chr16:130,591, plus strand): 5'-CCGTCCTGCTCATCAGCATGGTCGCCCGTGTTGCTGGCAGCGTATCTGCTACGCGGCTTA[C>G]CTGAGTCGGGGCGAAAAGAGGGGAAGGGCTAAGAAAACAGGGTCCTTCCACACACAGGAG-3'
Protein context (NP_001070818.1, residues 30-50): RSQEHPASQT[Ser40Thr]KPRSRYAASN

ClinVar aggregate classification (germline): Uncertain significance (1 of 4 stars; one submission).

Conditions:
Epilepsy, familial focal, with variable foci 3 (FFEVF3). Identifiers: MedGen C4310708, MONDO:0014925, OMIM 617118.

Submission:

Labcorp Genetics (formerly Invitae), Labcorp
Classification: Uncertain significance for Epilepsy, familial focal, with variable foci 3. Last evaluated: 2022-07-12. Review status: criteria provided, single submitter. Criteria: Invitae Variant Classification Sherloc (09022015). Collection method: clinical testing. Allele origin: germline.
Comment: This sequence change replaces serine, which is neutral and polar, with threonine, which is neutral and polar, at codon 40 of the NPRL3 protein (p.Ser40Thr). This variant is not present in population databases (gnomAD no frequency). This variant has not been reported in the literature in individuals affected with NPRL3-related conditions. ClinVar contains an entry for this variant (Variation ID: 645977). Algorithms developed to predict the effect of sequence changes on RNA splicing suggest that this variant may disrupt the consensus splice site. In summary, the available evidence is currently insufficient to determine the role of this variant in disease. Therefore, it has been classified as a Variant of Uncertain Significance.